The following is an entry in ClinVar:

NM_006031.6(PCNT):c.533A>G (p.Gln178Arg)

Gene: PCNT (pericentrin; plus strand). Cytogenetic location: 21q22.3.
Variant type: single nucleotide variant.
Coding change: c.533A>G on transcript NM_006031.6 (MANE Select); coding-DNA position 533, A replaced by G.
Protein change: p.Gln178Arg; replaces glutamine 178 with arginine.
Molecular consequence: missense variant.
Genome position (GRCh38, 1-based): chr21:46,334,662, A>G. VCF-style: chr21-46334662-A-G. GRCh37 (hg19) VCF-style: chr21-47754576-A-G.
Other names: c.179A>G, p.Gln60Arg (NM_001315529.2); short protein forms Q60R, Q178R.
Identifiers: ClinVar variation 4988972 (VCV004988972.1).

ClinVar aggregate classification (germline): Uncertain significance (1 of 4 stars; one submission).

Conditions:
PCNT-related disorder. Also called: PCNT-related condition.

gnomAD v4.1: 14 of 1,585,234 alleles (0.00088%); highest among the groups gnomAD compares: Non-Finnish European, 0.0012%; no homozygotes.

Submission:

PreventionGenetics, part of Exact Sciences
Classification: Uncertain significance for PCNT-related condition. Last evaluated: 2024-11-27. Review status: criteria provided, single submitter. Criteria: ACMG Guidelines, 2015. Collection method: clinical testing. Allele origin: germline.
Comment: The PCNT c.533A>G variant is predicted to result in the amino acid substitution p.Gln178Arg. To our knowledge, this variant has not been reported in the literature. This variant is reported in 0.0016% of alleles in individuals of European (Non-Finnish) descent in gnomAD. At this time, the clinical significance of this variant is uncertain due to the absence of conclusive functional and genetic evidence.